The following is an entry in ClinVar:

NM_058216.3(RAD51C):c.426G>T (p.Val142=)

Gene: RAD51C (RAD51 paralog C; plus strand). Cytogenetic location: 17q22.
Variant type: single nucleotide variant.
Coding change: c.426G>T on transcript NM_058216.3 (MANE Select); coding-DNA position 426, G replaced by T.
Protein change: p.Val142=; no amino-acid change (valine 142 retained).
Molecular consequence: synonymous variant.
Genome position (GRCh38, 1-based): chr17:58,696,714, G>T. VCF-style: chr17-58696714-G-T. GRCh37 (hg19) VCF-style: chr17-56774075-G-T.
Identifiers: ClinVar variation 1739248 (VCV001739248.3), dbSNP rs2143744058, ClinGen allele CA501074874.

ClinVar aggregate classification (germline): Benign/Likely benign. Review status: criteria provided, multiple submitters, no conflicts (2 of 4 stars). 2 submissions from 2 submitters: Benign (1); Likely benign (1). Last evaluated 2025-02-18.

Conditions:
Hereditary cancer-predisposing syndrome. Also called: Hereditary Cancer Syndrome; Hereditary neoplastic syndrome; Neoplastic Syndromes, Hereditary; Tumor predisposition. Identifiers: Orphanet 140162, MedGen C0027672, MeSH D009386, MONDO:0015356.
Breast-ovarian cancer, familial, susceptibility to, 3. Also called: RAD51C-Related Breast/Ovarian Cancer. Identifiers: Orphanet 145, MedGen C3150659, MONDO:0013253, OMIM 613399.

Submissions (2):

Myriad Genetics, Inc.
Classification: Benign for Breast-ovarian cancer, familial, susceptibility to, 3. Last evaluated: 2025-02-18. Review status: criteria provided, single submitter. Criteria: Myriad Autosomal Dominant, Autosomal Recessive and X-Linked Classification Criteria (2023). Collection method: clinical testing. Allele origin: unknown.
Comment: This variant is considered benign. This variant is a silent/synonymous amino acid change and it is not expected to impact splicing.

Ambry Genetics
Classification: Likely benign for Hereditary cancer-predisposing syndrome. Last evaluated: 2020-09-21. Review status: criteria provided, single submitter. Criteria: Ambry Variant Classification Scheme 2023. Collection method: clinical testing. Allele origin: germline.